The following is an entry in ClinVar:

ClinVar aggregate classification (germline): Uncertain significance (1 of 4 stars; one submission).

gnomAD v4.1: 1 of 1,614,022 alleles (0.000062%); highest among the groups gnomAD compares: Non-Finnish European, 0.000085%; no homozygotes.

Submission:

Labcorp Genetics (formerly Invitae), Labcorp
Classification: Uncertain significance. Last evaluated: 2024-06-13. Review status: criteria provided, single submitter. Criteria: Invitae Variant Classification Sherloc (09022015). Collection method: clinical testing. Allele origin: germline.
Comment: This sequence change replaces alanine, which is neutral and non-polar, with glutamic acid, which is acidic and polar, at codon 321 of the ANKH protein (p.Ala321Glu). This variant is not present in population databases (gnomAD no frequency). This variant has not been reported in the literature in individuals affected with ANKH-related conditions. ClinVar contains an entry for this variant (Variation ID: 2085806). Advanced modeling of protein sequence and biophysical properties (such as structural, functional, and spatial information, amino acid conservation, physicochemical variation, residue mobility, and thermodynamic stability) performed at Invitae indicates that this missense variant is not expected to disrupt ANKH protein function with a negative predictive value of 80%. In summary, the available evidence is currently insufficient to determine the role of this variant in disease. Therefore, it has been classified as a Variant of Uncertain Significance.

NM_054027.6(ANKH):c.962C>A (p.Ala321Glu)

Gene: ANKH (ANKH inorganic pyrophosphate transport regulator; minus strand). Cytogenetic location: 5p15.2.
Variant type: single nucleotide variant.
Coding change: c.962C>A on transcript NM_054027.6 (MANE Select); coding-DNA position 962, C replaced by A.
Protein change: p.Ala321Glu; replaces alanine 321 with glutamic acid.
Molecular consequence: missense variant.
Genome position (GRCh38, 1-based): chr5:14,741,876, G>T on the plus strand (C>A on the coding strand, the complement: ANKH is on the minus strand). VCF-style: chr5-14741876-G-T. GRCh37 (hg19) VCF-style: chr5-14741985-G-T.
Other names: short protein forms A321E.
Identifiers: ClinVar variation 2085806 (VCV002085806.4), dbSNP rs754572946, ClinGen allele CA3208970.